The following is an entry in ClinVar:

NM_001291303.3(FAT4):c.947G>A (p.Arg316Gln)

Gene: FAT4 (FAT atypical cadherin 4; plus strand). Cytogenetic location: 4q28.1.
Variant type: single nucleotide variant.
Coding change: c.947G>A on transcript NM_001291303.3 (MANE Select); coding-DNA position 947, G replaced by A.
Protein change: p.Arg316Gln; replaces arginine 316 with glutamine.
Molecular consequence: missense variant.
Genome position (GRCh38, 1-based): chr4:125,317,358, G>A. VCF-style: chr4-125317358-G-A. GRCh37 (hg19) VCF-style: chr4-126238513-G-A.
Other names: c.947G>A, p.Arg316Gln (NM_001291285.3, NM_024582.6); c.947G>A (NM_024582.4); short protein forms R316Q.
Identifiers: ClinVar variation 2784026 (VCV002784026.4), dbSNP rs2530424353, ClinGen allele CA358116872.

ClinVar aggregate classification (germline): Uncertain significance. Review status: criteria provided, multiple submitters, no conflicts (2 of 4 stars). 2 submissions from 2 submitters: Uncertain significance (2). Last evaluated 2025-05-26.

Conditions:
Inborn genetic diseases. Identifiers: MedGen C0950123, MeSH D030342.

gnomAD v4.1: 8 of 1,612,924 alleles (0.0005%); highest among the groups gnomAD compares: Non-Finnish European, 0.00059%; no homozygotes.

Submissions (2):

Ambry Genetics
Classification: Uncertain significance for Inborn genetic diseases. Last evaluated: 2025-05-26. Review status: criteria provided, single submitter. Criteria: Ambry Variant Classification Scheme 2023. Collection method: clinical testing. Allele origin: germline.

Labcorp Genetics (formerly Invitae), Labcorp
Classification: Uncertain significance. Last evaluated: 2025-02-18. Review status: criteria provided, single submitter. Criteria: Invitae Variant Classification Sherloc (09022015). Collection method: clinical testing. Allele origin: germline.
Comment: This sequence change replaces arginine, which is basic and polar, with glutamine, which is neutral and polar, at codon 316 of the FAT4 protein (p.Arg316Gln). This variant is not present in population databases (gnomAD no frequency). This variant has not been reported in the literature in individuals affected with FAT4-related conditions. ClinVar contains an entry for this variant (Variation ID: 2784026). Invitae Evidence Modeling of protein sequence and biophysical properties (such as structural, functional, and spatial information, amino acid conservation, physicochemical variation, residue mobility, and thermodynamic stability) indicates that this missense variant is not expected to disrupt FAT4 protein function with a negative predictive value of 95%. In summary, the available evidence is currently insufficient to determine the role of this variant in disease. Therefore, it has been classified as a Variant of Uncertain Significance.